The following is an entry in ClinVar:

ClinVar aggregate classification (germline): Uncertain significance (1 of 4 stars; one submission).

gnomAD v4.1: 1 of 1,550,504 alleles (0.000064%); highest among the groups gnomAD compares: African/African-American, 0.0014%; no homozygotes.

Submission:

CeGaT Center for Human Genetics Tuebingen
Classification: Uncertain significance. Last evaluated: 2026-04-01. Review status: criteria provided, single submitter. Criteria: CeGaT Center For Human Genetics Tuebingen Variant Classification Criteria Version 2. Collection method: clinical testing. Allele origin: germline. Affected: yes. Observed: 1 variant allele.
Comment: PIEZO1: PM2

NM_001142864.4(PIEZO1):c.1764C>G (p.Phe588Leu)

Genes: HSALR1 (HSP90AB1 associated lncRNA 1; plus strand), PIEZO1 (piezo type mechanosensitive ion channel component 1 (Er blood group); minus strand). Cytogenetic location: 16q24.3.
Variant type: single nucleotide variant.
Coding change: c.1764C>G on transcript NM_001142864.4 (MANE Select); coding-DNA position 1764, C replaced by G.
Protein change: p.Phe588Leu; replaces phenylalanine 588 with leucine.
Molecular consequence: missense variant.
Genome position (GRCh38, 1-based): chr16:88,734,959, G>C on the plus strand (C>G on the coding strand, the complement: PIEZO1 is on the minus strand). VCF-style: chr16-88734959-G-C. GRCh37 (hg19) VCF-style: chr16-88801367-G-C.
Other names: short protein forms F588L.
Identifiers: ClinVar variation 4872551 (VCV004872551.2).
Genomic context (GRCh38, chr16:88,734,959, plus strand): 5'-GAAGAGGAACATGTAGACAATCTTGTAGACCACGAGGCGGCCGGCGAAGCTGACCACGAT[G>C]AACATGCCAGCACACACATAGATCCAGTACTTGGCGTACACGCCCTTCACCAGCTCCCCC-3'
Protein context (NP_001136336.2, residues 578-598): KYWIYVCAGM[Phe588Leu]IVVSFAGRLV